The following is an entry in ClinVar:

ClinVar aggregate classification (germline): Uncertain significance (1 of 4 stars; one submission).

Submission:

Labcorp Genetics (formerly Invitae), Labcorp
Classification: Uncertain significance. Last evaluated: 2022-03-23. Review status: criteria provided, single submitter. Criteria: Invitae Variant Classification Sherloc (09022015). Collection method: clinical testing. Allele origin: germline.
Comment: This sequence change replaces proline, which is neutral and non-polar, with alanine, which is neutral and non-polar, at codon 175 of the ADAMTSL4 protein (p.Pro175Ala). In summary, the available evidence is currently insufficient to determine the role of this variant in disease. Therefore, it has been classified as a Variant of Uncertain Significance. Algorithms developed to predict the effect of missense changes on protein structure and function (SIFT, PolyPhen-2, Align-GVGD) all suggest that this variant is likely to be tolerated. This variant has not been reported in the literature in individuals affected with ADAMTSL4-related conditions. This variant is not present in population databases (gnomAD no frequency).

NM_019032.6(ADAMTSL4):c.523C>G (p.Pro175Ala)

Genes: ADAMTSL4 (ADAMTS like 4; plus strand), ADAMTSL4-AS2 (ADAMTSL4 antisense RNA 2; minus strand). Cytogenetic location: 1q21.2.
Variant type: single nucleotide variant.
Coding change: c.523C>G on transcript NM_019032.6 (MANE Select); coding-DNA position 523, C replaced by G.
Protein change: p.Pro175Ala; replaces proline 175 with alanine.
Molecular consequence: missense variant.
Genome position (GRCh38, 1-based): chr1:150,553,514, C>G. VCF-style: chr1-150553514-C-G. GRCh37 (hg19) VCF-style: chr1-150525990-C-G.
Other names: c.523C>G, p.Pro175Ala (NM_001288607.2, NM_001288608.2, NM_001378596.1 and 1 more transcripts); short protein forms P175A.
Identifiers: ClinVar variation 1956571 (VCV001956571.5), dbSNP rs2526602543, ClinGen allele CA342301191.